The following is an entry in ClinVar:

ClinVar aggregate classification (germline): Pathogenic (1 of 4 stars; one submission).

Submission:

Labcorp Genetics (formerly Invitae), Labcorp
Classification: Pathogenic. Last evaluated: 2023-10-13. Review status: criteria provided, single submitter. Criteria: Invitae Variant Classification Sherloc (09022015). Collection method: clinical testing. Allele origin: unknown.
Comment: A gross deletion of the genomic region encompassing the full coding sequence of the DLL1 gene has been identified. Loss-of-function variants in DLL1 are known to be pathogenic (PMID: 31353024). The boundaries of this event are unknown as they extend beyond the assayed region for this gene and therefore may encompass additional genes. Isolated whole-gene deletions of DLL1 have not been reported in the literature. However, larger copy number events that include this gene have been reported (PMID: 21196490, 24768552, 28284480, 30194807, 31602192). For these reasons, this variant has been classified as Pathogenic.

Literature cited by the submitters: PubMed 31353024; PubMed 21196490; PubMed 24768552; PubMed 28284480; PubMed 30194807; PubMed 31602192.

NC_000006.11:g.(?_170589990)_(170599227_?)del

Gene: DLL1 (delta like canonical Notch ligand 1; minus strand). Cytogenetic location: 6q27.
Variant type: Deletion.
Identifiers: ClinVar variation 3246192 (VCV003246192.1).